The following is an entry in ClinVar:

NM_000484.4(APP):c.2077G>C (p.Glu693Gln)

Gene: APP (amyloid beta precursor protein; minus strand). Cytogenetic location: 21q21.3.
Variant type: single nucleotide variant.
Coding change: c.2077G>C on transcript NM_000484.4 (MANE Select); coding-DNA position 2077, G replaced by C.
Protein change: p.Glu693Gln; replaces glutamic acid 693 with glutamine.
Molecular consequence: missense variant.
Genome position (GRCh38, 1-based): chr21:25,891,856, C>G on the plus strand (G>C on the coding strand, the complement: APP is on the minus strand). VCF-style: chr21-25891856-C-G. GRCh37 (hg19) VCF-style: chr21-27264168-C-G.
Other names: c.1852G>C, p.Glu618Gln (NM_201414.3); c.2005G>C, p.Glu669Gln (NM_001136016.3); c.1684G>C, p.Glu562Gln (NM_001136129.3); c.1909G>C, p.Glu637Gln (NM_001136130.3, NM_001385253.1); c.1747G>C, p.Glu583Gln (NM_001136131.3); c.2023G>C, p.Glu675Gln (NM_001204301.2); c.1966G>C, p.Glu656Gln (NM_001204302.2); c.1798G>C, p.Glu600Gln (NM_001204303.2); and 1 more; short protein forms E693Q, E618Q, E637Q, E656Q, E562Q, E583Q, E669Q, E600Q.
Identifiers: ClinVar variation 18087 (VCV000018087.12), dbSNP rs63750579, ClinGen allele CA127790.
Genomic context (GRCh38, chr21:25,891,856, plus strand): 5'-CTATGACAACACCGCCCACCATGAGTCCAATGATTGCACCTTTGTTTGAACCCACATCTT[C>G]TGCAAAGAACACCTTGAAAACAAATTAAGAAAAAGAATTTTAATTTCTAAATGCAATATA-3'
Protein context (NP_000475.1, residues 683-703): VHHQKLVFFA[Glu693Gln]DVGSNKGAII

ClinVar aggregate classification (germline): Pathogenic. Review status: criteria provided, multiple submitters, no conflicts (2 of 4 stars). 3 submissions from 3 submitters: Pathogenic (2). 1 of the submissions does not count toward it. Last evaluated 2022-02-02.

Conditions:
ABeta amyloidosis, dutch type. Also called: AMYLOIDOSIS, HEREDITARY, WITH CEREBRAL HEMORRHAGE, DUTCH VARIANT; CEREBRAL AMYLOID ANGIOPATHY, APP-RELATED, DUTCH VARIANT. Identifiers: Orphanet 100006, MedGen C2931672, MONDO:0015033.
Cerebral amyloid angiopathy, APP-related. Also called: AMYLOIDOSIS, CEREBROARTERIAL, APP-RELATED; Cerebral amyloid angiopathy, Dutch, Italian, Iowa, Flemish, Arctic variants. Identifiers: Orphanet 100006, Orphanet 324703, Orphanet 324708, Orphanet 324713, Orphanet 324718, Orphanet 324723, Orphanet 85458, MedGen C2751536, MONDO:0011583, OMIM 605714.
Alzheimer disease. Also called: Alzheimer's disease; Presenile and senile dementia. Identifiers: Orphanet 1020, MedGen C0002395, MeSH D000544, MONDO:0004975, HP:0002511.

Submissions (3):

Victorian Clinical Genetics Services, Murdoch Childrens Research Institute
Classification: Pathogenic for Cerebral amyloid angiopathy, APP-related. Last evaluated: 2022-02-02. Review status: criteria provided, single submitter. Criteria: ACMG Guidelines, 2015. Collection method: clinical testing. Allele origin: germline. Inheritance: Autosomal dominant inheritance.
Comment: Based on the classification scheme VCGS_Germline_v1.3.4, this variant is classified as Pathogenic. Following criteria are met: 0101 - Toxic gain of function is a known mechanism of disease in this gene and is associated with Alzheimer disease 1, familial (MIM#104300) (PMID: 24524897). (I) 0107 - This gene is associated with autosomal dominant disease. (I) 0112 - The condition associated with this gene has incomplete penetrance. p.(Ala713Thr) has been reported to exhibit reduced penetrance (PMID: 28350801). (I) 0115 - Variants in this gene are known to have variable expressivity. Age of onset and disease progression can vary (GeneReviews; PMID: 24650794). (I) 0200 - Variant is predicted to result in a missense amino acid change from glutamic acid to glutamine. (I) 0251 - This variant is heterozygous. (I) 0301 - Variant is absent from gnomAD (both v2 and v3). (SP) 0309 - An alternative amino acid change at the same position has been observed in gnomAD (v2) (1 heterozygote, 0 homozygotes). (I) 0502 - Missense variant with conflicting in silico predictions and uninformative conservation. (I) 0602 - Variant is located in a hotspot region or cluster of pathogenic variants (Decipher). (SP) 0703 – Another missense variant comparable to the one identified in this case has moderate previous evidence for pathogenicity. An alternative change to a lysine has been reported in one individual with hereditary cerebral amyloid angiopathy and also in another individual with early onset Alzheimer disease (ClinVar, PMID: 10821838, 28350801). (SP) 0801 - This variant has strong previous evidence of pathogenicity in unrelated individuals. This is a well reported Dutch variant, HCHWA-D, and has been reported in multiple individuals with hereditary cerebral amyloid angiopathy and in individuals with Alzheimer's disease (ClinVar, PMID: 2111584, 10821838, 19061884, 23919771, 30868685). (SP) 1208 - Inheritance information for this variant is not currently available in this individual. (I) Legend: (SP) - Supporting pathogenic, (I) - Information, (SB) - Supporting benign

Labcorp Genetics (formerly Invitae), Labcorp
Classification: Pathogenic for Alzheimer disease. Last evaluated: 2020-06-02. Review status: criteria provided, single submitter. Criteria: Invitae Variant Classification Sherloc (09022015). Collection method: clinical testing. Allele origin: germline.
Comment: This sequence change replaces glutamic acid with glutamine at codon 693 of the APP protein (p.Glu693Gln). The glutamic acid residue is highly conserved and there is a small physicochemical difference between glutamic acid and glutamine. For these reasons, this variant has been classified as Pathogenic. This variant has been reported to affect APP protein function (PMID: 19061884, 11441013, 10821838, 8610157). This variant has been observed in individual(s) with hereditary cerebral amyloid angiopathy and in individual(s) with Alzheimer's disease (PMID: 2111584, 23919771, 11004129). This variant has also been shown to segregate with disease. This variant is also known as p.Glu22Gln in the literature. ClinVar contains an entry for this variant (Variation ID: 18087). This variant is not present in population databases (ExAC no frequency).

OMIM
Classification: Pathogenic for CEREBRAL AMYLOID ANGIOPATHY, APP-RELATED, DUTCH VARIANT. Last evaluated: 2000-09-01. Review status: no assertion criteria provided. Collection method: literature only. Allele origin: germline. Not counted in ClinVar's aggregate classification.

Literature cited by the submitters: PubMed 2111584 (cited by 3 submitters); PubMed 10821838 (cited by 3 submitters); PubMed 19061884 (cited by Victorian Clinical Genetics Services, Murdoch Childrens Research Institute and Labcorp Genetics (formerly Invitae), Labcorp); PubMed 23919771 (cited by Victorian Clinical Genetics Services, Murdoch Childrens Research Institute and Labcorp Genetics (formerly Invitae), Labcorp); PubMed 24524897 (cited by Victorian Clinical Genetics Services, Murdoch Childrens Research Institute); PubMed 24650794 (cited by Victorian Clinical Genetics Services, Murdoch Childrens Research Institute); PubMed 28350801 (cited by Victorian Clinical Genetics Services, Murdoch Childrens Research Institute); PubMed 30868685 (cited by Victorian Clinical Genetics Services, Murdoch Childrens Research Institute); PubMed 11441013 (cited by Labcorp Genetics (formerly Invitae), Labcorp); PubMed 8610157 (cited by Labcorp Genetics (formerly Invitae), Labcorp); PubMed 11004129 (cited by Labcorp Genetics (formerly Invitae), Labcorp); PubMed 1679289 (cited by OMIM); PubMed 9848098 (cited by OMIM).